The following is an entry in ClinVar:

NM_002890.3(RASA1):c.1253+6T>C

Genes: CCNH (cyclin H; minus strand), RASA1 (RAS p21 protein activator 1; plus strand). Cytogenetic location: 5q14.3.
Variant type: single nucleotide variant.
Coding change: c.1253+6T>C on transcript NM_002890.3 (MANE Select); 6 bases into the intron after coding-DNA position 1253, T replaced by C.
Molecular consequence: intron variant.
Genome position (GRCh38, 1-based): chr5:87,349,370, T>C. VCF-style: chr5-87349370-T-C. GRCh37 (hg19) VCF-style: chr5-86645187-T-C.
Other names: c.722+6T>C (NM_022650.3); c.934-36575A>G (NM_001364075.2).
Identifiers: ClinVar variation 1496236 (VCV001496236.6), dbSNP rs2112421845, ClinGen allele CA2573140075.
Genomic context (GRCh38, chr5:87,349,370, plus strand): 5'-AAATATGTCCAACGCCAAACAATCAGTTTATGATGGGAGGCCGGTATTATAACAGGTAAA[T>C]CATAATTTTTTAGCTATCTTTTACTTTTCGCAAAAATAGTTGAAATCTTGATAATACAGT-3'

ClinVar aggregate classification (germline): Uncertain significance (1 of 4 stars; one submission).

Conditions:
Capillary malformation-arteriovenous malformation syndrome. Also called: Capillary malformation-arteriovenous malformation. Identifiers: Orphanet 137667, MedGen C1842180, MONDO:0012016.

Submission:

Labcorp Genetics (formerly Invitae), Labcorp
Classification: Uncertain significance for Capillary malformation-arteriovenous malformation syndrome. Last evaluated: 2021-03-26. Review status: criteria provided, single submitter. Criteria: Invitae Variant Classification Sherloc (09022015). Collection method: clinical testing. Allele origin: germline.
Comment: In summary, the available evidence is currently insufficient to determine the role of this variant in disease. Therefore, it has been classified as a Variant of Uncertain Significance. Nucleotide substitutions within the consensus splice site are a relatively common cause of aberrant splicing (PMID: 17576681, 9536098). Algorithms developed to predict the effect of sequence changes on RNA splicing suggest that this variant is not likely to affect RNA splicing, but this prediction has not been confirmed by published transcriptional studies. This variant has not been reported in the literature in individuals with RASA1-related conditions. This variant is not present in population databases (ExAC no frequency). This sequence change falls in intron 8 of the RASA1 gene. It does not directly change the encoded amino acid sequence of the RASA1 protein. It affects a nucleotide within the consensus splice site of the intron.

Literature cited by the submitters: PubMed 17576681; PubMed 9536098.